The following is an entry in ClinVar:

ClinVar aggregate classification (germline): Uncertain significance (1 of 4 stars; one submission).

Conditions:
Hereditary cancer-predisposing syndrome. Also called: Hereditary neoplastic syndrome; Tumor predisposition; Hereditary Cancer Syndrome; Neoplastic Syndromes, Hereditary. Identifiers: Orphanet 140162, MedGen C0027672, MeSH D009386, MONDO:0015356.

Submission:

Ambry Genetics
Classification: Uncertain significance for Hereditary cancer-predisposing syndrome. Last evaluated: 2023-07-05. Review status: criteria provided, single submitter. Criteria: Ambry Variant Classification Scheme 2023. Collection method: clinical testing. Allele origin: germline.
Comment: The c.819G>T variant (also known as p.L273L) is located in coding exon 6 of the CDK4 gene. This variant results from a G to T substitution at nucleotide position 819. This nucleotide substitution does not change the leucine at codon 273. However, this change occurs in the last base pair of coding exon 6, which makes it likely to have some effect on normal mRNA splicing. This nucleotide position is highly conserved in available vertebrate species. In silico splice site analysis predicts that this alteration will weaken the native splice donor site. Loss of function of CDK4 has not been established as a mechanism of disease. Since supporting evidence is limited at this time, the clinical significance of this alteration remains unclear.

NM_000075.4(CDK4):c.819G>T (p.Leu273=)

Genes: CDK4 (cyclin dependent kinase 4; minus strand), TSPAN31 (tetraspanin 31; plus strand). Cytogenetic location: 12q14.1.
Variant type: single nucleotide variant.
Coding change: c.819G>T on transcript NM_000075.4 (MANE Select); coding-DNA position 819, G replaced by T.
Protein change: p.Leu273=; no amino-acid change (leucine 273 retained).
Molecular consequence: synonymous variant. On other transcripts: 3 prime UTR variant (3).
Genome position (GRCh38, 1-based): chr12:57,749,182, C>A on the plus strand (G>T on the coding strand, the complement: CDK4 is on the minus strand). VCF-style: chr12-57749182-C-A. GRCh37 (hg19) VCF-style: chr12-58142965-C-A.
Other names: c.*1892C>A (NM_001330168.2, NM_001330169.2, NM_005981.5).
Identifiers: ClinVar variation 2586835 (VCV002586835.2), dbSNP rs2140382604, ClinGen allele CA480299655.